The following is an entry in ClinVar:

NM_017491.5(WDR1):c.558+1G>A

Gene: WDR1 (WD repeat domain 1; minus strand). Cytogenetic location: 4p16.1.
Variant type: single nucleotide variant.
Coding change: c.558+1G>A on transcript NM_017491.5 (MANE Select); the canonical splice donor site of the intron after coding-DNA position 558, G replaced by A.
Molecular consequence: splice donor variant. On other transcripts: intron variant (1).
Genome position (GRCh38, 1-based): chr4:10,097,710, C>T on the plus strand (G>A on the coding strand, the complement: WDR1 is on the minus strand). VCF-style: chr4-10097710-C-T. GRCh37 (hg19) VCF-style: chr4-10099334-C-T.
Other names: c.139-8969G>A (NM_005112.5).
Identifiers: ClinVar variation 2134857 (VCV002134857.4), dbSNP rs1184136443, ClinGen allele CA356363032.

ClinVar aggregate classification (germline): Uncertain significance (1 of 4 stars; one submission).

Allele frequency attached by ClinVar (database versions not stated): gnomAD exomes below 0.00001; gnomAD 0.00001; TOPMed 0.00001.
gnomAD v4.1: 3 of 1,608,034 alleles (0.00019%); highest among the groups gnomAD compares: Admixed American, 0.0017%; no homozygotes.

Submission:

Labcorp Genetics (formerly Invitae), Labcorp
Classification: Uncertain significance. Last evaluated: 2022-05-06. Review status: criteria provided, single submitter. Criteria: Invitae Variant Classification Sherloc (09022015). Collection method: clinical testing. Allele origin: germline.
Comment: In summary, the available evidence is currently insufficient to determine the role of this variant in disease. Therefore, it has been classified as a Variant of Uncertain Significance. Algorithms developed to predict the effect of sequence changes on RNA splicing suggest that this variant may disrupt the consensus splice site. This variant has not been reported in the literature in individuals affected with WDR1-related conditions. The frequency data for this variant in the population databases is considered unreliable, as metrics indicate poor data quality at this position in the gnomAD database. This sequence change affects a donor splice site in intron 5 of the WDR1 gene. It is expected to disrupt RNA splicing. Variants that disrupt the donor or acceptor splice site typically lead to a loss of protein function (PMID: 16199547), however the current clinical and genetic evidence is not sufficient to establish whether loss-of-function variants in WDR1 cause disease.

Literature cited by the submitters: PubMed 16199547.